The following is an entry in ClinVar:

NM_001113378.2(FANCI):c.1138C>G (p.Gln380Glu)

Gene: FANCI (FA complementation group I; plus strand). Cytogenetic location: 15q26.1.
Variant type: single nucleotide variant.
Coding change: c.1138C>G on transcript NM_001113378.2 (MANE Select); coding-DNA position 1138, C replaced by G.
Protein change: p.Gln380Glu; replaces glutamine 380 with glutamic acid.
Molecular consequence: missense variant.
Genome position (GRCh38, 1-based): chr15:89,276,736, C>G. VCF-style: chr15-89276736-C-G. GRCh37 (hg19) VCF-style: chr15-89819967-C-G.
Other names: c.859C>G, p.Gln287Glu (NM_001376910.1); c.1138C>G, p.Gln380Glu (NM_001376911.1, NM_018193.3); short protein forms Q380E, Q287E.
Identifiers: ClinVar variation 1496343 (VCV001496343.5), dbSNP rs748470270, ClinGen allele CA7722936.

ClinVar aggregate classification (germline): Uncertain significance (1 of 4 stars; one submission).

Conditions:
Fanconi anemia (FA). Also called: Fanconi's anemia. Identifiers: Orphanet 84, MedGen C0015625, MeSH D005199, MONDO:0019391.

Allele frequency attached by ClinVar (database versions not stated): ExAC 0.00001; gnomAD exomes 0.00001.
gnomAD v4.1: 5 of 1,614,190 alleles (0.00031%); highest among the groups gnomAD compares: East Asian, 0.011%; no homozygotes.

Submission:

Labcorp Genetics (formerly Invitae), Labcorp
Classification: Uncertain significance for Fanconi anemia. Last evaluated: 2024-02-17. Review status: criteria provided, single submitter. Criteria: Invitae Variant Classification Sherloc (09022015). Collection method: clinical testing. Allele origin: germline.
Comment: This sequence change replaces glutamine, which is neutral and polar, with glutamic acid, which is acidic and polar, at codon 380 of the FANCI protein (p.Gln380Glu). This variant is present in population databases (rs748470270, gnomAD 0.02%). This variant has not been reported in the literature in individuals affected with FANCI-related conditions. ClinVar contains an entry for this variant (Variation ID: 1496343). Advanced modeling of protein sequence and biophysical properties (such as structural, functional, and spatial information, amino acid conservation, physicochemical variation, residue mobility, and thermodynamic stability) performed at Invitae indicates that this missense variant is not expected to disrupt FANCI protein function with a negative predictive value of 80%. In summary, the available evidence is currently insufficient to determine the role of this variant in disease. Therefore, it has been classified as a Variant of Uncertain Significance.